The following is an entry in ClinVar:

ClinVar aggregate classification (germline): Uncertain significance (1 of 4 stars; one submission).

Conditions:
Long QT syndrome (LQTS). Identifiers: MedGen C0023976, MeSH D008133, MONDO:0002442. Disease mechanism: loss of function. Inheritance: Various modes of inheritance.

Allele frequency attached by ClinVar (database versions not stated): gnomAD exomes below 0.00001.
gnomAD v4.1: 1 of 1,613,956 alleles (0.000062%); highest among the groups gnomAD compares: Non-Finnish European, 0.000085%; no homozygotes.

Submission:

Labcorp Genetics (formerly Invitae), Labcorp
Classification: Uncertain significance for Long QT syndrome. Last evaluated: 2023-11-06. Review status: criteria provided, single submitter. Criteria: Invitae Variant Classification Sherloc (09022015). Collection method: clinical testing. Allele origin: germline.
Comment: This sequence change replaces proline, which is neutral and non-polar, with serine, which is neutral and polar, at codon 2111 of the ANK2 protein (p.Pro2111Ser). This variant is not present in population databases (gnomAD no frequency). This variant has not been reported in the literature in individuals affected with ANK2-related conditions. Algorithms developed to predict the effect of missense changes on protein structure and function output the following: SIFT: "Not Available"; PolyPhen-2: "Benign"; Align-GVGD: "Not Available". The serine amino acid residue is found in multiple mammalian species, which suggests that this missense change does not adversely affect protein function. In summary, the available evidence is currently insufficient to determine the role of this variant in disease. Therefore, it has been classified as a Variant of Uncertain Significance.

NM_001148.6(ANK2):c.6331C>T (p.Pro2111Ser)

Genes: ANK2 (ankyrin 2; plus strand), LOC126807136 (MED14-independent group 3 enhancer GRCh37_chr4:114274931-114276130; plus strand). Cytogenetic location: 4q26.
Variant type: single nucleotide variant.
Coding change: c.6331C>T on transcript NM_001148.6 (MANE Select); coding-DNA position 6331, C replaced by T.
Protein change: p.Pro2111Ser; replaces proline 2111 with serine.
Molecular consequence: missense variant. On other transcripts: intron variant (68).
Genome position (GRCh38, 1-based): chr4:113,354,949, C>T. VCF-style: chr4-113354949-C-T. GRCh37 (hg19) VCF-style: chr4-114276105-C-T.
Other names: c.6097C>T, p.Pro2033Ser (NM_001386142.1); c.2731C>T, p.Pro911Ser (NM_001386166.1); c.6472C>T, p.Pro2158Ser (NM_001386174.1); c.6448C>T, p.Pro2150Ser (NM_001386175.1); c.4411+4700C>T (NM_001386186.2, NM_001386148.2); c.4213+4700C>T (NM_001354269.3); c.4291+4700C>T (NM_001386187.2); c.4252+4700C>T (NM_001386147.1); and 35 more; short protein forms P2150S, P2158S, P2033S, P2111S, P911S.
Identifiers: ClinVar variation 2721881 (VCV002721881.3), dbSNP rs2505545321, ClinGen allele CA357923118.